The following is an entry in ClinVar:

NM_000143.4(FH):c.133-10T>C

Gene: FH (fumarate hydratase; minus strand). Cytogenetic location: 1q43.
Variant type: single nucleotide variant.
Coding change: c.133-10T>C on transcript NM_000143.4 (MANE Select); 10 bases into the intron before coding-DNA position 133, T replaced by C.
Molecular consequence: intron variant.
Genome position (GRCh38, 1-based): chr1:241,517,326, A>G on the plus strand (T>C on the coding strand, the complement: FH is on the minus strand). VCF-style: chr1-241517326-A-G. GRCh37 (hg19) VCF-style: chr1-241680626-A-G.
Identifiers: ClinVar variation 1598518 (VCV001598518.9), dbSNP rs1660247033, ClinGen allele CA1229584149.
Genomic context (GRCh38, chr1:241,517,326, plus strand): 5'-CTTTAGTTCACCAAAGGTATCATATTCTATCCGGAAGGAATTTTGGCTTGCCTAAAGACA[A>G]GAATACAACACTATTACAAGTTGAAAAGAAACCCAGGATCAAAAGTAATCGCATCTTATC-3'

ClinVar aggregate classification (germline): Likely benign. Review status: criteria provided, multiple submitters, no conflicts (2 of 4 stars). 2 submissions from 2 submitters: Likely benign (2). Last evaluated 2024-10-17.

Conditions:
Hereditary leiomyomatosis and renal cell cancer. Also called: MULTIPLE CUTANEOUS AND UTERINE LEIOMYOMATA 1, WITH OR WITHOUT RENAL CELL CARCINOMA; LEIOMYOMA, MULTIPLE CUTANEOUS; Reed syndrome; Multiple cutaneous and uterine leiomyomatosis; Cutaneous leiomyomata with uterine leiomyomata; Leiomyoma, hereditary multiple, of skin. Identifiers: Orphanet 523, MedGen C1708350, MONDO:0007888, OMIM 150800, HP:0007437. Disease mechanism: loss of function.

Allele frequency attached by ClinVar (database versions not stated): gnomAD exomes 0.00001.
gnomAD v4.1: 4 of 1,613,940 alleles (0.00025%); highest among the groups gnomAD compares: East Asian, 0.0089%; no homozygotes.

Submissions (2):

Myriad Genetics, Inc.
Classification: Likely benign for Hereditary leiomyomatosis and renal cell cancer. Last evaluated: 2024-10-17. Review status: criteria provided, single submitter. Criteria: Myriad Autosomal Dominant, Autosomal Recessive and X-Linked Classification Criteria (2023). Collection method: clinical testing. Allele origin: unknown.
Comment: This variant is considered likely benign. This variant is intronic and is not expected to impact mRNA splicing.

Labcorp Genetics (formerly Invitae), Labcorp
Classification: Likely benign. Last evaluated: 2024-05-21. Review status: criteria provided, single submitter. Criteria: Invitae Variant Classification Sherloc (09022015). Collection method: clinical testing. Allele origin: germline.